The following is an entry in ClinVar:

ClinVar aggregate classification (germline): Benign (1 of 4 stars; one submission).

Conditions:
Hypomyelination and Congenital Cataract (HLD5). Also called: hypomyelinating leukodystrophy 5. Identifiers: Orphanet 85163, MedGen C1864663, MONDO:0012514, OMIM 610532.

Allele frequency attached by ClinVar (database versions not stated): gnomAD 0.07832 and 0.08178; TOPMed 0.08765; 1000 Genomes Project 0.10583; gnomAD exomes 0.11765.
gnomAD v4.1: 12,444 of 152,054 alleles (8.2%); highest among the groups gnomAD compares: East Asian, 21%; 669 homozygotes.

Submission:

Illumina Laboratory Services, Illumina
Classification: Benign for Hypomyelination and Congenital Cataract. Last evaluated: 2018-01-13. Review status: criteria provided, single submitter. Criteria: ICSL Variant Classification Criteria 13 December 2019. Collection method: clinical testing. Allele origin: germline.
Comment: This variant was observed in the ICSL laboratory as part of a predisposition screen in an ostensibly healthy population. It had not been previously curated by ICSL or reported in the Human Gene Mutation Database (HGMD: prior to June 1st, 2018), and was therefore a candidate for classification through an automated scoring system. Utilizing variant allele frequency, disease prevalence and penetrance estimates, and inheritance mode, an automated score was calculated to assess if this variant is too frequent to cause the disease. Based on the score and internal cut-off values, a variant classified as benign is not then subjected to further curation. The score for this variant resulted in a classification of benign for this disease.

NM_032581.4(HYCC1):c.*1354A>G

Gene: HYCC1 (hyccin PI4KA lipid kinase complex subunit 1; minus strand). Cytogenetic location: 7p15.3.
Variant type: single nucleotide variant.
Coding change: c.*1354A>G on transcript NM_032581.4 (MANE Select); 1354 bases downstream of the stop codon, A replaced by G.
Molecular consequence: 3 prime UTR variant.
Genome position (GRCh38, 1-based): chr7:22,944,235, T>C on the plus strand (A>G on the coding strand, the complement: HYCC1 is on the minus strand). VCF-style: chr7-22944235-T-C. GRCh37 (hg19) VCF-style: chr7-22983854-T-C.
Other names: c.*1956A>G (NM_001363466.2); c.*1914A>G (NM_001363467.2).
Identifiers: ClinVar variation 359748 (VCV000359748.5), dbSNP rs4599713, ClinGen allele CA10625816.